The following is an entry in ClinVar:

ClinVar aggregate classification (germline): Benign (1 of 4 stars; one submission).

Allele frequency attached by ClinVar (database versions not stated): 1000 Genomes Project 0.00260; 1000 Genomes Project 30x 0.00265; gnomAD 0.00339; ESP Exome Variant Server 0.00400.
gnomAD v4.1: 6,173 of 1,614,254 alleles (0.38%); highest among the groups gnomAD compares: Middle Eastern, 1.3%; 55 homozygotes.

Submission:

CeGaT Center for Human Genetics Tuebingen
Classification: Benign. Last evaluated: 2023-04-01. Review status: criteria provided, single submitter. Criteria: CeGaT Center For Human Genetics Tuebingen Variant Classification Criteria Version 2. Collection method: clinical testing. Allele origin: germline. Affected: yes. Observed: 2 variant alleles.
Comment: NLRP14: BS1, BS2

NM_176822.4(NLRP14):c.535G>A (p.Val179Met)

Gene: NLRP14 (NLR family pyrin domain containing 14; plus strand). Cytogenetic location: 11p15.4.
Variant type: single nucleotide variant.
Coding change: c.535G>A on transcript NM_176822.4 (MANE Select); coding-DNA position 535, G replaced by A.
Protein change: p.Val179Met; replaces valine 179 with methionine.
Molecular consequence: missense variant.
Genome position (GRCh38, 1-based): chr11:7,042,561, G>A. VCF-style: chr11-7042561-G-A. GRCh37 (hg19) VCF-style: chr11-7063792-G-A.
Other names: short protein forms V179M.
Identifiers: ClinVar variation 2641573 (VCV002641573.24), dbSNP rs149541731, ClinGen allele CA5864610.